The following is an entry in ClinVar:

NM_001102564.3(IFT43):c.591G>C (p.Glu197Asp)

Gene: IFT43 (intraflagellar transport 43; plus strand). Cytogenetic location: 14q24.3.
Variant type: single nucleotide variant.
Coding change: c.591G>C on transcript NM_001102564.3 (MANE Select); coding-DNA position 591, G replaced by C.
Protein change: p.Glu197Asp; replaces glutamic acid 197 with aspartic acid.
Molecular consequence: missense variant. On other transcripts: non-coding transcript variant (2).
Genome position (GRCh38, 1-based): chr14:76,083,541, G>C. VCF-style: chr14-76083541-G-C. GRCh37 (hg19) VCF-style: chr14-76549884-G-C.
Other names: c.606G>C, p.Glu202Asp (NM_052873.3); short protein forms E197D, E202D.
Identifiers: ClinVar variation 1013698 (VCV001013698.6), dbSNP rs1315482566, ClinGen allele CA390474830.
Genomic context (GRCh38, chr14:76,083,541, plus strand): 5'-CCATCTGTTCACTGAGGTGTCCTCAGAGGTCCTCACTGAGTGGGACCCACTGCAGACGGA[G>C]AAGGAGGACCCTGCGGGGCAGGCCAGGCACACCTGAGCCCGTCACCCATGCTCTAGACAT-3'
Protein context (NP_001096034.1, residues 187-207): VLTEWDPLQT[Glu197Asp]KEDPAGQARH

ClinVar aggregate classification (germline): Uncertain significance (1 of 4 stars; one submission).

Allele frequency attached by ClinVar (database versions not stated): gnomAD 0.00001; TOPMed 0.00001.

Submission:

Labcorp Genetics (formerly Invitae), Labcorp
Classification: Uncertain significance. Last evaluated: 2021-08-28. Review status: criteria provided, single submitter. Criteria: Invitae Variant Classification Sherloc (09022015). Collection method: clinical testing. Allele origin: germline.
Comment: This sequence change replaces glutamic acid with aspartic acid at codon 202 of the IFT43 protein (p.Glu202Asp). The glutamic acid residue is highly conserved and there is a small physicochemical difference between glutamic acid and aspartic acid. This variant is not present in population databases (ExAC no frequency). This variant has not been reported in the literature in individuals affected with IFT43-related conditions. Algorithms developed to predict the effect of missense changes on protein structure and function output the following: SIFT: "Tolerated"; PolyPhen-2: "Benign"; Align-GVGD: "Class C0". The aspartic acid amino acid residue is found in multiple mammalian species, which suggests that this missense change does not adversely affect protein function. In summary, the available evidence is currently insufficient to determine the role of this variant in disease. Therefore, it has been classified as a Variant of Uncertain Significance.